The following is an entry in ClinVar:

NM_015047.3(EMC1):c.2227G>A (p.Val743Met)

Genes: EMC1 (ER membrane protein complex subunit 1; minus strand), EMC1-AS1 (EMC1 antisense RNA 1; plus strand). Cytogenetic location: 1p36.13.
Variant type: single nucleotide variant.
Coding change: c.2227G>A on transcript NM_015047.3 (MANE Select); coding-DNA position 2227, G replaced by A.
Protein change: p.Val743Met; replaces valine 743 with methionine.
Molecular consequence: missense variant.
Genome position (GRCh38, 1-based): chr1:19,223,545, C>T on the plus strand (G>A on the coding strand, the complement: EMC1 is on the minus strand). VCF-style: chr1-19223545-C-T. GRCh37 (hg19) VCF-style: chr1-19550039-C-T.
Other names: c.2224G>A, p.Val742Met (NM_001271427.2, NM_001271428.2); c.2161G>A, p.Val721Met (NM_001271429.2); c.2236G>A, p.Val746Met (NM_001375820.1); c.2233G>A, p.Val745Met (NM_001375821.1); short protein forms V721M, V745M, V743M, V742M, V746M.
Identifiers: ClinVar variation 1930557 (VCV001930557.5), dbSNP rs1282330349, ClinGen allele CA338755194.
Genomic context (GRCh38, chr1:19,223,545, plus strand): 5'-CAATGAGGAAGATGCCAATAAAGGTGCGCTCATGGTGCGCGTCTGTGCTCTCTGTCACCA[C>T]GGCCAGCAGGTTGGGGTTCAGGCTCTGGAGAGAGAGAGAAAACCTCCCTTAGAACCACGA-3'
Protein context (NP_055862.1, residues 733-753): YKSLNPNLLA[Val743Met]VTESTDAHHE

ClinVar aggregate classification (germline): Uncertain significance (1 of 4 stars; one submission).

Allele frequency attached by ClinVar (database versions not stated): gnomAD exomes below 0.00001; gnomAD 0.00001; TOPMed 0.00001.

Submission:

Labcorp Genetics (formerly Invitae), Labcorp
Classification: Uncertain significance. Last evaluated: 2025-07-13. Review status: criteria provided, single submitter. Criteria: Invitae Variant Classification Sherloc (09022015). Collection method: clinical testing. Allele origin: germline.
Comment: This sequence change replaces valine, which is neutral and non-polar, with methionine, which is neutral and non-polar, at codon 743 of the EMC1 protein (p.Val743Met). This variant is present in population databases (no rsID available, gnomAD 0.006%). This variant has not been reported in the literature in individuals affected with EMC1-related conditions. ClinVar contains an entry for this variant (Variation ID: 1930557). Invitae Evidence Modeling of protein sequence and biophysical properties (such as structural, functional, and spatial information, amino acid conservation, physicochemical variation, residue mobility, and thermodynamic stability) indicates that this missense variant is expected to disrupt EMC1 protein function with a positive predictive value of 80%. In summary, the available evidence is currently insufficient to determine the role of this variant in disease. Therefore, it has been classified as a Variant of Uncertain Significance.